The following is an entry in ClinVar:

ClinVar aggregate classification (germline): Uncertain significance. Review status: criteria provided, multiple submitters, no conflicts (2 of 4 stars). 3 submissions from 3 submitters: Uncertain significance (3). Last evaluated 2024-08-20.

Conditions:
Hereditary cancer-predisposing syndrome. Also called: Neoplastic Syndromes, Hereditary; Tumor predisposition; Hereditary neoplastic syndrome; Hereditary Cancer Syndrome. Identifiers: Orphanet 140162, MedGen C0027672, MeSH D009386, MONDO:0015356.
BAP1-related tumor predisposition syndrome (TPDS1). Also called: Tumor susceptibility linked to germline BAP1 mutations; BAP1 tumor predisposition syndrome; TUMOR PREDISPOSITION SYNDROME 1; COMMON Syndrome. Identifiers: Orphanet 289539, MedGen C3280492, MONDO:0013692, OMIM 614327.

Allele frequency attached by ClinVar (database versions not stated): gnomAD 0.00001.
gnomAD v4.1: 1 of 1,614,042 alleles (0.000062%); highest among the groups gnomAD compares: Non-Finnish European, 0.000085%; no homozygotes.

Submissions (3):

Ambry Genetics
Classification: Uncertain significance for Hereditary cancer-predisposing syndrome. Last evaluated: 2024-08-20. Review status: criteria provided, single submitter. Criteria: Ambry Variant Classification Scheme 2023. Collection method: clinical testing. Allele origin: germline.
Comment: The p.P350S variant (also known as c.1048C>T), located in coding exon 11 of the BAP1 gene, results from a C to T substitution at nucleotide position 1048. The proline at codon 350 is replaced by serine, an amino acid with similar properties. This amino acid position is conserved. In addition, this alteration is predicted to be tolerated by in silico analysis. Based on the available evidence, the clinical significance of this variant remains unclear.

Color Diagnostics, LLC DBA Color Health
Classification: Uncertain significance for Hereditary cancer-predisposing syndrome. Last evaluated: 2023-12-05. Review status: criteria provided, single submitter. Criteria: ACMG Guidelines, 2015. Collection method: clinical testing. Allele origin: germline.
Comment: This missense variant replaces proline with serine at codon 350 of the BAP1 protein. Computational prediction suggests that this variant may not impact protein structure and function (internally defined REVEL score threshold <= 0.5, PMID: 27666373). To our knowledge, functional studies have not been reported for this variant. This variant has not been reported in individuals affected with BAP1-related disorders in the literature. This variant has been identified in 1/31388 chromosomes in the general population by the Genome Aggregation Database (gnomAD). The available evidence is insufficient to determine the role of this variant in disease conclusively. Therefore, this variant is classified as a Variant of Uncertain Significance.

Labcorp Genetics (formerly Invitae), Labcorp
Classification: Uncertain significance for BAP1-related tumor predisposition syndrome. Last evaluated: 2022-08-02. Review status: criteria provided, single submitter. Criteria: Invitae Variant Classification Sherloc (09022015). Collection method: clinical testing. Allele origin: germline.
Comment: In summary, the available evidence is currently insufficient to determine the role of this variant in disease. Therefore, it has been classified as a Variant of Uncertain Significance. Algorithms developed to predict the effect of sequence changes on RNA splicing suggest that this variant may create or strengthen a splice site. This sequence change replaces proline, which is neutral and non-polar, with serine, which is neutral and polar, at codon 350 of the BAP1 protein (p.Pro350Ser). This variant is not present in population databases (gnomAD no frequency). This variant has not been reported in the literature in individuals affected with BAP1-related conditions. ClinVar contains an entry for this variant (Variation ID: 628489). Algorithms developed to predict the effect of missense changes on protein structure and function (SIFT, PolyPhen-2, Align-GVGD) all suggest that this variant is likely to be tolerated.

NM_004656.4(BAP1):c.1048C>T (p.Pro350Ser)

Gene: BAP1 (BRCA1 associated deubiquitinase 1; minus strand). Cytogenetic location: 3p21.1.
Variant type: single nucleotide variant.
Coding change: c.1048C>T on transcript NM_004656.4 (MANE Select); coding-DNA position 1048, C replaced by T.
Protein change: p.Pro350Ser; replaces proline 350 with serine.
Molecular consequence: missense variant.
Genome position (GRCh38, 1-based): chr3:52,405,178, G>A on the plus strand (C>T on the coding strand, the complement: BAP1 is on the minus strand). VCF-style: chr3-52405178-G-A. GRCh37 (hg19) VCF-style: chr3-52439194-G-A.
Other names: c.1048C>T (NM_004656.2); short protein forms P350S.
Identifiers: ClinVar variation 628489 (VCV000628489.10), dbSNP rs1559588441, ClinGen allele CA353105764.
Genomic context (GRCh38, chr3:52,405,178, plus strand): 5'-GGGACTTGGCATAATTGTGATTGTCTAGAAAGGCCGGCAGCCGCTGGACAATGGGAGTGG[G>A]GTTGGGGTGAACCCCATTGAGGCTGCTGCCTGGAGGCTTCACCACTAGCTTGGGTTTGTT-3'
Protein context (NP_004647.1, residues 340-360): GSSLNGVHPN[Pro350Ser]TPIVQRLPAF